The following is an entry in ClinVar:

ClinVar aggregate classification (germline): Likely benign. Review status: criteria provided, multiple submitters, no conflicts (2 of 4 stars). 3 submissions from 3 submitters: Likely benign (2). 1 of the submissions does not count toward it. Last evaluated 2026-02-02.

Conditions:
Early-onset Lafora body disease. Also called: Epilepsy, progressive myoclonic, 10. Identifiers: Orphanet 324290, MedGen C4225258, MONDO:0014717, OMIM 616640.
PRDM8-related disorder. Also called: PRDM8-related condition.

Allele frequency attached by ClinVar (database versions not stated): gnomAD 0.00011 and 0.00013; TOPMed 0.00014.
gnomAD v4.1: 39 of 1,472,016 alleles (0.0026%); highest among the groups gnomAD compares: African/African-American, 0.025%; 1 homozygote.

Submissions (3):

Labcorp Genetics (formerly Invitae), Labcorp
Classification: Likely benign for Early-onset Lafora body disease. Last evaluated: 2026-02-02. Review status: criteria provided, single submitter. Criteria: Invitae Variant Classification Sherloc (09022015). Collection method: clinical testing. Allele origin: germline.

Blueprint Genetics
Classification: Likely benign. Last evaluated: 2024-11-06. Review status: criteria provided, single submitter. Criteria: ACMG Guidelines, 2015. Collection method: clinical testing. Allele origin: germline.

PreventionGenetics, part of Exact Sciences
Classification: Likely benign for PRDM8-related condition. Last evaluated: 2020-03-30. Review status: no assertion criteria provided. Collection method: clinical testing. Allele origin: germline. Not counted in ClinVar's aggregate classification.
Comment: This variant is classified as likely benign based on ACMG/AMP sequence variant interpretation guidelines (Richards et al. 2015 PMID: 25741868, with internal and published modifications).

NM_001099403.2(PRDM8):c.1485C>T (p.Asp495=)

Genes: PRDM8 (PR/SET domain 8; plus strand), LOC129992745 (ATAC-STARR-seq lymphoblastoid silent region 15522; plus strand). Cytogenetic location: 4q21.21.
Variant type: single nucleotide variant.
Coding change: c.1485C>T on transcript NM_001099403.2 (MANE Select); coding-DNA position 1485, C replaced by T.
Protein change: p.Asp495=; no amino-acid change (aspartic acid 495 retained).
Molecular consequence: synonymous variant.
Genome position (GRCh38, 1-based): chr4:80,202,947, C>T. VCF-style: chr4-80202947-C-T. GRCh37 (hg19) VCF-style: chr4-81124101-C-T.
Other names: c.1485C>T, p.Asp495= (NM_020226.4); c.1485C>T (NM_020226.3).
Identifiers: ClinVar variation 1113475 (VCV001113475.12), dbSNP rs373726901, ClinGen allele CA100001134.